The following is an entry in ClinVar:

NM_000179.3(MSH6):c.1424A>C (p.Gln475Pro)

Gene: MSH6 (mutS homolog 6; plus strand). Cytogenetic location: 2p16.3.
Variant type: single nucleotide variant.
Coding change: c.1424A>C on transcript NM_000179.3 (MANE Select); coding-DNA position 1424, A replaced by C.
Protein change: p.Gln475Pro; replaces glutamine 475 with proline.
Molecular consequence: missense variant. On other transcripts: non-coding transcript variant (4), intron variant (1).
Genome position (GRCh38, 1-based): chr2:47,799,407, A>C. VCF-style: chr2-47799407-A-C. GRCh37 (hg19) VCF-style: chr2-48026546-A-C.
Other names: c.1034A>C, p.Gln345Pro (NM_001281492.2); c.518A>C, p.Gln173Pro (NM_001281493.2, NM_001281494.2, NM_001406811.1 and 6 more transcripts); c.1520A>C, p.Gln507Pro (NM_001406795.1, NM_001406802.1); c.1424A>C, p.Gln475Pro (NM_001406796.1, NM_001406798.1, NM_001406800.1 and 4 more transcripts); c.1127A>C, p.Gln376Pro (NM_001406797.1, NM_001406801.1, NM_001406805.1 and 10 more transcripts); c.899A>C, p.Gln300Pro (NM_001406799.1, NM_001406806.1, NM_001406807.1); c.1346A>C, p.Gln449Pro (NM_001406804.1); c.1430A>C, p.Gln477Pro (NM_001406813.1); and 2 more; short protein forms Q449P, Q475P, Q477P, Q300P, Q345P, Q173P, Q376P, Q507P.
Identifiers: ClinVar variation 2567483 (VCV002567483.2), dbSNP rs2104343133, ClinGen allele CA346745420.

ClinVar aggregate classification (germline): Uncertain significance (1 of 4 stars; one submission).

Conditions:
Hereditary cancer-predisposing syndrome. Also called: Hereditary neoplastic syndrome; Hereditary Cancer Syndrome; Neoplastic Syndromes, Hereditary; Tumor predisposition. Identifiers: Orphanet 140162, MedGen C0027672, MeSH D009386, MONDO:0015356.

Submission:

Ambry Genetics
Classification: Uncertain significance for Hereditary cancer-predisposing syndrome. Last evaluated: 2023-05-15. Review status: criteria provided, single submitter. Criteria: Ambry Variant Classification Scheme 2023. Collection method: clinical testing. Allele origin: germline.
Comment: The p.Q475P variant (also known as c.1424A>C), located in coding exon 4 of the MSH6 gene, results from an A to C substitution at nucleotide position 1424. The glutamine at codon 475 is replaced by proline, an amino acid with similar properties. This amino acid position is conserved. In addition, this alteration is predicted to be deleterious by in silico analysis. Since supporting evidence is limited at this time, the clinical significance of this alteration remains unclear.